The following is an entry in ClinVar:

NM_000322.5(PRPH2):c.603_620del (p.Arg203_Gly208del)

Gene: PRPH2 (peripherin 2; minus strand). Cytogenetic location: 6p21.1.
Variant type: Deletion.
Coding change: c.603_620del on transcript NM_000322.5 (MANE Select); coding-DNA positions 603 to 620, 18 bases deleted (TGGGCGGTACCTGGTGGA).
Protein change: p.Arg203_Gly208del.
Molecular consequence: inframe deletion.
Genome position (GRCh38, 1-based): chr6:42,704,573-42,704,590, TCCACCAGGTACCGCCCA deleted on the plus strand (TGGGCGGTACCTGGTGGA on the coding strand, the reverse complement: PRPH2 is on the minus strand); deleting any 18 consecutive bases within chr6:42,704,573-42,704,595 gives the same sequence; the c. name uses the placement nearest the transcript's 3' end. VCF-style (leftmost placement, unchanged base first): chr6-42704572-GTCCACCAGGTACCGCCCA-G. GRCh37 (hg19) VCF-style: chr6-42672310-GTCCACCAGGTACCGCCCA-G.
Identifiers: ClinVar variation 1004420 (VCV001004420.8), dbSNP rs1800116963, ClinGen allele CA1624170562.

ClinVar aggregate classification (germline): Pathogenic/Likely pathogenic. Review status: criteria provided, multiple submitters, no conflicts (2 of 4 stars). 4 submissions from 4 submitters: Pathogenic (2); Likely pathogenic (1). 1 of the submissions does not count toward it. Last evaluated 2026-03-17.

Conditions:
Patterned macular dystrophy 1. Also called: BUTTERFLY DYSTROPHY OF RETINAL PIGMENT EPITHELIUM; MACULAR DYSTROPHY, BUTTERFLY-SHAPED PIGMENTARY. Identifiers: Orphanet 99001, MedGen C4551999, MONDO:0008210, OMIM 169150.
PRPH2-related disorder. Also called: PRPH2-related condition; PRPH2-related disorders. Identifiers: MedGen CN239395.

Submissions (4):

Institute of Human Genetics, University of Leipzig Medical Center
Classification: Pathogenic for Patterned macular dystrophy 1. Last evaluated: 2026-03-17. Review status: criteria provided, single submitter. Criteria: ACMG Guidelines, 2015. Collection method: clinical testing. Allele origin: unknown. Inheritance: Autosomal dominant inheritance. Affected: yes.
Comment: Criteria applied: PS4_MOD,PM1,PM4,PM5,PM2_SUP,PP4

GeneDx
Classification: Likely pathogenic. Last evaluated: 2026-02-17. Review status: criteria provided, single submitter. Criteria: GeneDx Variant Classification Process June 2021. Collection method: clinical testing. Allele origin: germline.
Comment: Observed in the heterozygous state in patients with retinal dystrophy but additional information is not available (PMID: 27628848, 38219857); Observed in the heterozygous state in a patient with retinitis pigmentosa, but additional evidence was not provided (PMID: 29068140); In-frame deletion of 6 amino acid(s) in a non-repeat region; Not observed at significant frequency in large population cohorts (gnomAD); In silico analysis is inconclusive as to whether the variant alters gene splicing. In the absence of RNA/functional studies, the actual effect of this sequence change is unknown.; In silico analysis supports a deleterious effect on protein structure/function; This variant is associated with the following publications: (PMID: 38219857, 29069140, 27628848, 29068140)

Labcorp Genetics (formerly Invitae), Labcorp
Classification: Pathogenic for PRPH2-related disorder. Last evaluated: 2024-12-12. Review status: criteria provided, single submitter. Criteria: Invitae Variant Classification Sherloc (09022015). Collection method: clinical testing. Allele origin: germline.
Comment: This variant, c.603_620del, results in the deletion of 6 amino acid(s) of the PRPH2 protein (p.Arg203_Gly208del), but otherwise preserves the integrity of the reading frame. This variant is not present in population databases (gnomAD no frequency). This variant has been observed in individuals with clinical features of PRPH2-related conditions (PMID: 27628848, 29068140; internal data). ClinVar contains an entry for this variant (Variation ID: 1004420). This variant disrupts a region of the PRPH2 protein in which other variant(s) (p.Gly208Asp) have been determined to be pathogenic (PMID: 9279751, 12042139, 25447119). This suggests that this is a clinically significant region of the protein, and that variants that disrupt it are likely to be disease-causing. For these reasons, this variant has been classified as Pathogenic.

Leiden Open Variation Database
Classification: Likely pathogenic. Last evaluated: 2021-03-10. Review status: no assertion criteria provided. Collection method: curation. Allele origin: germline. Affected: yes. Not counted in ClinVar's aggregate classification.
Comment: Curator: Global Variome, with Curator vacancy. Submitter to LOVD: LOVD.

Literature cited by the submitters: PubMed 27628848 (cited by Labcorp Genetics (formerly Invitae), Labcorp and Leiden Open Variation Database); PubMed 29068140 (cited by Labcorp Genetics (formerly Invitae), Labcorp and Leiden Open Variation Database); PubMed 9279751 (cited by Labcorp Genetics (formerly Invitae), Labcorp); PubMed 12042139 (cited by Labcorp Genetics (formerly Invitae), Labcorp); PubMed 25447119 (cited by Labcorp Genetics (formerly Invitae), Labcorp).